The following is an entry in ClinVar:

ClinVar aggregate classification (germline): Uncertain significance. Review status: criteria provided, multiple submitters, no conflicts (2 of 4 stars). 3 submissions from 3 submitters: Uncertain significance (3). Last evaluated 2025-07-19.

Conditions:
Inborn genetic diseases. Identifiers: MedGen C0950123, MeSH D030342.
Palatal anomalies-widely spaced teeth-facial dysmorphism-developmental delay syndrome. Also called: Cleft palate, psychomotor retardation, and distinctive facial features. Identifiers: Orphanet 477993, MedGen C4225229, MONDO:0014751, OMIM 616728.

gnomAD v4.1: 10 of 1,613,556 alleles (0.00062%); highest among the groups gnomAD compares: East Asian, 0.0022%; no homozygotes.

Submissions (3):

Ambry Genetics
Classification: Uncertain significance for Inborn genetic diseases. Last evaluated: 2025-07-19. Review status: criteria provided, single submitter. Criteria: Ambry Variant Classification Scheme 2023. Collection method: clinical testing. Allele origin: germline.
Comment: The p.R862H variant (also known as c.2585G>A), located in coding exon 21 of the KDM1A gene, results from a G to A substitution at nucleotide position 2585. The arginine at codon 862 is replaced by histidine, an amino acid with highly similar properties. This amino acid position is conserved. In addition, the in silico prediction for this alteration is inconclusive. Based on the available evidence, the clinical significance of this variant remains unclear.

Labcorp Genetics (formerly Invitae), Labcorp
Classification: Uncertain significance. Last evaluated: 2025-04-19. Review status: criteria provided, single submitter. Criteria: Invitae Variant Classification Sherloc (09022015). Collection method: clinical testing. Allele origin: germline.
Comment: This sequence change replaces arginine, which is basic and polar, with histidine, which is basic and polar, at codon 862 of the KDM1A protein (p.Arg862His). This variant is present in population databases (rs746357822, gnomAD 0.005%). This variant has not been reported in the literature in individuals affected with KDM1A-related conditions. An algorithm developed to predict the effect of missense changes on protein structure and function (PolyPhen-2) suggests that this variant is likely to be disruptive. In summary, the available evidence is currently insufficient to determine the role of this variant in disease. Therefore, it has been classified as a Variant of Uncertain Significance.

Laboratorio de Genetica e Diagnostico Molecular, Hospital Israelita Albert Einstein
Classification: Uncertain significance for Palatal anomalies-widely spaced teeth-facial dysmorphism-developmental delay syndrome. Last evaluated: 2024-10-11. Review status: criteria provided, single submitter. Criteria: ACMG Guidelines, 2015. Collection method: clinical testing. Allele origin: germline. Affected: yes.
Comment: ACMG classification criteria: PM2 supporting, PP2 supporting, BP4 supporting

NM_001009999.3(KDM1A):c.2585G>A (p.Arg862His)

Gene: KDM1A (lysine demethylase 1A; plus strand). Cytogenetic location: 1p36.12.
Variant type: single nucleotide variant.
Coding change: c.2585G>A on transcript NM_001009999.3 (MANE Select); coding-DNA position 2585, G replaced by A.
Protein change: p.Arg862His; replaces arginine 862 with histidine.
Molecular consequence: missense variant. On other transcripts: 3 prime UTR variant (1).
Genome position (GRCh38, 1-based): chr1:23,083,318, G>A. VCF-style: chr1-23083318-G-A. GRCh37 (hg19) VCF-style: chr1-23409811-G-A.
Other names: c.2531G>A, p.Arg844His (NM_001363654.2); c.2591G>A, p.Arg864His (NM_001410762.1); c.*833G>A (NM_001410763.1); c.2513G>A, p.Arg838His (NM_015013.4); c.2585G>A (NM_001009999.2); short protein forms R838H, R844H, R862H, R864H.
Identifiers: ClinVar variation 4056532 (VCV004056532.3).
Genomic context (GRCh38, chr1:23,083,318, plus strand): 5'-GGCTGCGAGAAGCGGGAAGAATTGCAGACCAGTTTTTGGGGGCCATGTATACGCTGCCTC[G>A]CCAGGCCACACCAGGTGTTCCTGCACAGCAGTCCCCAAGCATGTGAGACAGATGCATTCT-3'
Protein context (NP_001009999.1, residues 852-872): QFLGAMYTLP[Arg862His]QATPGVPAQQ